The following is an entry in ClinVar:

NM_005120.3(MED12):c.1963A>G (p.Ser655Gly)

Gene: MED12 (mediator complex subunit 12; plus strand). Cytogenetic location: Xq13.1.
Variant type: single nucleotide variant.
Coding change: c.1963A>G on transcript NM_005120.3 (MANE Select); coding-DNA position 1963, A replaced by G.
Protein change: p.Ser655Gly; replaces serine 655 with glycine.
Molecular consequence: missense variant.
Genome position (GRCh38, 1-based): chrX:71,124,377, A>G. VCF-style: chrX-71124377-A-G. GRCh37 (hg19) VCF-style: chrX-70344227-A-G.
Other names: short protein forms S655G.
Identifiers: ClinVar variation 570289 (VCV000570289.9), dbSNP rs1569481250, ClinGen allele CA413510192.
Genomic context (GRCh38, chrX:71,124,377, plus strand): 5'-TCTCCCTTTGATGATCCTGCCGATGACCCAGAGCACAAGGAGGCTGAAGGCAGCAGCAGC[A>G]GCAAGCTGGAAGTGAGTGGGCTTTTCCTTGCACTAGATCGTTTCTTCTGACATTTCCATC-3'
Protein context (NP_005111.2, residues 645-665): EHKEAEGSSS[Ser655Gly]KLEDPGLSES

ClinVar aggregate classification (germline): Uncertain significance (1 of 4 stars; one submission).

Conditions:
FG syndrome (FGS). Identifiers: MedGen C0220769, MONDO:0002010.

Allele frequency attached by ClinVar (database versions not stated): gnomAD exomes below 0.00001.
gnomAD v4.1: 2 of 1,198,505 alleles (0.00017%); highest among the groups gnomAD compares: East Asian, 0.003%; no homozygotes.

Submission:

Labcorp Genetics (formerly Invitae), Labcorp
Classification: Uncertain significance for FG syndrome. Last evaluated: 2022-07-05. Review status: criteria provided, single submitter. Criteria: Invitae Variant Classification Sherloc (09022015). Collection method: clinical testing. Allele origin: germline.
Comment: This sequence change replaces serine, which is neutral and polar, with glycine, which is neutral and non-polar, at codon 655 of the MED12 protein (p.Ser655Gly). In summary, the available evidence is currently insufficient to determine the role of this variant in disease. Therefore, it has been classified as a Variant of Uncertain Significance. Advanced modeling of protein sequence and biophysical properties (such as structural, functional, and spatial information, amino acid conservation, physicochemical variation, residue mobility, and thermodynamic stability) performed at Invitae indicates that this missense variant is not expected to disrupt MED12 protein function. ClinVar contains an entry for this variant (Variation ID: 570289). This missense change has been observed in individual(s) with congenital heart defects (PMID: 32410215). This variant is not present in population databases (gnomAD no frequency).

Literature cited by the submitters: PubMed 32410215.